The following is an entry in ClinVar:

ClinVar aggregate classification (germline): Benign. Review status: criteria provided, multiple submitters, no conflicts (2 of 4 stars). 2 submissions from 2 submitters: Benign (2). Last evaluated 2018-01-12.

Conditions:
Xeroderma pigmentosum, group D (XPD). Also called: ERCC2-Related Xeroderma Pigmentosum; XERODERMA PIGMENTOSUM, COMPLEMENTATION GROUP D; XERODERMA PIGMENTOSUM IV; XP, GROUP D; XP, GROUP H. Identifiers: MedGen C0268138, MONDO:0010212, OMIM 278730.

Allele frequency attached by ClinVar (database versions not stated): 1000 Genomes Project 0.00579; 1000 Genomes Project 30x 0.00609; TOPMed 0.01304; gnomAD 0.01380 and 0.01399.
gnomAD v4.1: 26,359 of 1,582,584 alleles (1.7%); highest among the groups gnomAD compares: Middle Eastern, 2.6%; 248 homozygotes.

Submissions (2):

Illumina Laboratory Services, Illumina
Classification: Benign for Xeroderma pigmentosum, group D. Last evaluated: 2018-01-12. Review status: criteria provided, single submitter. Criteria: ICSL Variant Classification Criteria 13 December 2019. Collection method: clinical testing. Allele origin: germline.
Comment: This variant was observed in the ICSL laboratory as part of a predisposition screen in an ostensibly healthy population. It had not been previously curated by ICSL or reported in the Human Gene Mutation Database (HGMD: prior to June 1st, 2018), and was therefore a candidate for classification through an automated scoring system. Utilizing variant allele frequency, disease prevalence and penetrance estimates, and inheritance mode, an automated score was calculated to assess if this variant is too frequent to cause the disease. Based on the score and internal cut-off values, a variant classified as benign is not then subjected to further curation. The score for this variant resulted in a classification of benign for this disease.

Breakthrough Genomics
Classification: Benign. Review status: criteria provided, single submitter. Criteria: ACMG Guidelines, 2015. Collection method: not provided. Allele origin: germline. Inheritance: Autosomal recessive inheritance. Affected: yes.

NM_000400.4(ERCC2):c.*171G>C

Genes: ERCC2 (ERCC excision repair 2, TFIIH core complex helicase subunit; minus strand), KLC3 (kinesin light chain 3; plus strand). Cytogenetic location: 19q13.32.
Variant type: single nucleotide variant.
Coding change: c.*171G>C on transcript NM_000400.4 (MANE Select); 171 bases downstream of the stop codon, G replaced by C.
Molecular consequence: 3 prime UTR variant.
Genome position (GRCh38, 1-based): chr19:45,351,458, C>G on the plus strand (G>C on the coding strand, the complement: ERCC2 is on the minus strand). VCF-style: chr19-45351458-C-G. GRCh37 (hg19) VCF-style: chr19-45854716-C-G.
Other names: c.*101C>G (NM_177417.3).
Identifiers: ClinVar variation 329497 (VCV000329497.6), dbSNP rs3916891, ClinGen allele CA10642959.